The following is an entry in ClinVar:

ClinVar aggregate classification (germline): Uncertain significance (1 of 4 stars; one submission).

Submission:

Labcorp Genetics (formerly Invitae), Labcorp
Classification: Uncertain significance. Last evaluated: 2023-11-13. Review status: criteria provided, single submitter. Criteria: Invitae Variant Classification Sherloc (09022015). Collection method: clinical testing. Allele origin: germline.
Comment: This sequence change replaces aspartic acid, which is acidic and polar, with tyrosine, which is neutral and polar, at codon 323 of the CLCN6 protein (p.Asp323Tyr). This variant is not present in population databases (gnomAD no frequency). This variant has not been reported in the literature in individuals affected with CLCN6-related conditions. An algorithm developed to predict the effect of missense changes on protein structure and function (PolyPhen-2) suggests that this variant is likely to be disruptive. Algorithms developed to predict the effect of sequence changes on RNA splicing suggest that this variant may disrupt the consensus splice site. In summary, the available evidence is currently insufficient to determine the role of this variant in disease. Therefore, it has been classified as a Variant of Uncertain Significance.

NM_001286.5(CLCN6):c.967G>T (p.Asp323Tyr)

Gene: CLCN6 (chloride voltage-gated channel 6; plus strand). Cytogenetic location: 1p36.22.
Variant type: single nucleotide variant.
Coding change: c.967G>T on transcript NM_001286.5 (MANE Select); coding-DNA position 967, G replaced by T.
Protein change: p.Asp323Tyr; replaces aspartic acid 323 with tyrosine.
Molecular consequence: missense variant. On other transcripts: non-coding transcript variant (1).
Genome position (GRCh38, 1-based): chr1:11,828,470, G>T. VCF-style: chr1-11828470-G-T. GRCh37 (hg19) VCF-style: chr1-11888527-G-T.
Other names: c.901G>T, p.Asp301Tyr (NM_001256959.2); short protein forms D323Y, D301Y.
Identifiers: ClinVar variation 2695406 (VCV002695406.3), dbSNP rs1383663416, ClinGen allele CA338430098.